The following is an entry in ClinVar:

ClinVar aggregate classification (germline): Uncertain significance. Review status: criteria provided, multiple submitters, no conflicts (2 of 4 stars). 2 submissions from 2 submitters: Uncertain significance (2). Last evaluated 2024-04-29.

Conditions:
Hereditary cancer-predisposing syndrome. Also called: Neoplastic Syndromes, Hereditary; Hereditary Cancer Syndrome; Hereditary neoplastic syndrome; Tumor predisposition. Identifiers: Orphanet 140162, MedGen C0027672, MeSH D009386, MONDO:0015356.
Tumor predisposition syndrome 3 (TPDS3). Also called: Glioma susceptibility 9; LONG TELOMERE SYNDROME, POT1-RELATED; POT1 Tumor Predisposition; Melanoma, cutaneous malignant, susceptibility to, 10. Identifiers: Orphanet 618, MedGen C4014476, MONDO:0014368, OMIM 615848.

Allele frequency attached by ClinVar (database versions not stated): gnomAD exomes below 0.00001.
gnomAD v4.1: 1 of 1,601,860 alleles (0.000062%); highest among the groups gnomAD compares: Non-Finnish European, 0.000085%; no homozygotes.

Submissions (2):

Labcorp Genetics (formerly Invitae), Labcorp
Classification: Uncertain significance for Tumor predisposition syndrome 3. Last evaluated: 2024-04-29. Review status: criteria provided, single submitter. Criteria: Invitae Variant Classification Sherloc (09022015). Collection method: clinical testing. Allele origin: germline.
Comment: This sequence change falls in intron 7 of the POT1 gene. It does not directly change the encoded amino acid sequence of the POT1 protein. It affects a nucleotide within the consensus splice site. This variant is not present in population databases (gnomAD no frequency). This variant has not been reported in the literature in individuals affected with POT1-related conditions. ClinVar contains an entry for this variant (Variation ID: 1522947). Variants that disrupt the consensus splice site are a relatively common cause of aberrant splicing (PMID: 17576681, 9536098). Algorithms developed to predict the effect of sequence changes on RNA splicing suggest that this variant may disrupt the consensus splice site. In summary, the available evidence is currently insufficient to determine the role of this variant in disease. Therefore, it has been classified as a Variant of Uncertain Significance.

Ambry Genetics
Classification: Uncertain significance for Hereditary cancer-predisposing syndrome. Last evaluated: 2024-04-17. Review status: criteria provided, single submitter. Criteria: Ambry Variant Classification Scheme 2023. Collection method: clinical testing. Allele origin: germline.
Comment: The c.255+3A>G intronic variant results from an A to G substitution 3 nucleotides after coding exon 3 in the POT1 gene. This nucleotide position is highly conserved in available vertebrate species. In silico splice site analysis predicts that this alteration will weaken the native splice donor site. Based on the available evidence, the clinical significance of this variant remains unclear.

Literature cited by the submitters: PubMed 17576681 (cited by Labcorp Genetics (formerly Invitae), Labcorp); PubMed 9536098 (cited by Labcorp Genetics (formerly Invitae), Labcorp).

NM_015450.3(POT1):c.255+3A>G

Gene: POT1 (protection of telomeres 1; minus strand). Cytogenetic location: 7q31.33.
Variant type: single nucleotide variant.
Coding change: c.255+3A>G on transcript NM_015450.3 (MANE Select); 3 bases into the intron after coding-DNA position 255, A replaced by G.
Molecular consequence: intron variant.
Genome position (GRCh38, 1-based): chr7:124,870,908, T>C on the plus strand (A>G on the coding strand, the complement: POT1 is on the minus strand). VCF-style: chr7-124870908-T-C. GRCh37 (hg19) VCF-style: chr7-124510962-T-C.
Other names: c.-138-7268A>G (NM_001042594.2); c.255+3A>G (NM_015450.2).
Identifiers: ClinVar variation 1522947 (VCV001522947.7), dbSNP rs2116567176, ClinGen allele CA2573141686.